The following is an entry in ClinVar:

ClinVar aggregate classification (germline): Uncertain significance (1 of 4 stars; one submission).

Conditions:
Fanconi anemia (FA). Also called: Fanconi's anemia. Identifiers: Orphanet 84, MedGen C0015625, MeSH D005199, MONDO:0019391.

gnomAD v4.1: 3 of 1,611,472 alleles (0.00019%); highest among the groups gnomAD compares: Non-Finnish European, 0.00025%; no homozygotes.

Submission:

Labcorp Genetics (formerly Invitae), Labcorp
Classification: Uncertain significance for Fanconi anemia. Last evaluated: 2022-03-16. Review status: criteria provided, single submitter. Criteria: Invitae Variant Classification Sherloc (09022015). Collection method: clinical testing. Allele origin: germline.
Comment: In summary, the available evidence is currently insufficient to determine the role of this variant in disease. Therefore, it has been classified as a Variant of Uncertain Significance. Algorithms developed to predict the effect of missense changes on protein structure and function output the following: SIFT: "Tolerated"; PolyPhen-2: "Benign"; Align-GVGD: "Class C0". The isoleucine amino acid residue is found in multiple mammalian species, which suggests that this missense change does not adversely affect protein function. ClinVar contains an entry for this variant (Variation ID: 1025164). This variant has not been reported in the literature in individuals affected with FANCM-related conditions. This variant is not present in population databases (gnomAD no frequency). This sequence change replaces methionine, which is neutral and non-polar, with isoleucine, which is neutral and non-polar, at codon 2010 of the FANCM protein (p.Met2010Ile).

NM_020937.4(FANCM):c.6030G>A (p.Met2010Ile)

Gene: FANCM (FA complementation group M; plus strand). Cytogenetic location: 14q21.2.
Variant type: single nucleotide variant.
Coding change: c.6030G>A on transcript NM_020937.4 (MANE Select); coding-DNA position 6030, G replaced by A.
Protein change: p.Met2010Ile; replaces methionine 2010 with isoleucine.
Molecular consequence: missense variant.
Genome position (GRCh38, 1-based): chr14:45,199,891, G>A. VCF-style: chr14-45199891-G-A. GRCh37 (hg19) VCF-style: chr14-45669094-G-A.
Other names: c.5952G>A, p.Met1984Ile (NM_001308133.2); short protein forms M1984I, M2010I.
Identifiers: ClinVar variation 1025164 (VCV001025164.8), dbSNP rs1890267290, ClinGen allele CA389588043.